The following is an entry in ClinVar:

ClinVar aggregate classification (germline): Uncertain significance (1 of 4 stars; one submission).

Conditions:
Catecholaminergic polymorphic ventricular tachycardia (CVPT). Also called: Catecholamine-induced polymorphic ventricular tachycardia. Identifiers: Orphanet 3286, MedGen C5574922, MONDO:0017990.

Submission:

All of Us Research Program, National Institutes of Health
Classification: Uncertain significance for Catecholaminergic polymorphic ventricular tachycardia. Last evaluated: 2023-10-06. Review status: criteria provided, single submitter. Criteria: ACMG Guidelines, 2015. Collection method: clinical testing. Allele origin: germline. Inheritance: Autosomal dominant inheritance. Observed: 1 variant allele, 1 heterozygote.
Comment: This missense variant replaces alanine with proline at codon 3814 of the RYR2 protein. Computational prediction suggests that this variant may have deleterious impact on protein structure and function (internally defined REVEL score threshold >= 0.7, PMID: 27666373). To our knowledge, functional studies have not been reported for this variant. This variant has not been reported in individuals affected with RYR2-related disorders in the literature. This variant has not been identified in the general population by the Genome Aggregation Database (gnomAD). The available evidence is insufficient to determine the role of this variant in disease conclusively. Therefore, this variant is classified as a Variant of Uncertain Significance.

This study involves interpretation of variants in research participants for the purpose of population health screening. Participant phenotype was not available at the time of variant classification. Additional details can be found in publication PMID: 35346344, PMCID: PMC8962531

NM_001035.3(RYR2):c.11440G>C (p.Ala3814Pro)

Gene: RYR2 (ryanodine receptor 2; plus strand). Cytogenetic location: 1q43.
Variant type: single nucleotide variant.
Coding change: c.11440G>C on transcript NM_001035.3 (MANE Select); coding-DNA position 11440, G replaced by C.
Protein change: p.Ala3814Pro; replaces alanine 3814 with proline.
Molecular consequence: missense variant.
Genome position (GRCh38, 1-based): chr1:237,760,992, G>C. VCF-style: chr1-237760992-G-C. GRCh37 (hg19) VCF-style: chr1-237924292-G-C.
Other names: short protein forms A3814P.
Identifiers: ClinVar variation 3073712 (VCV003073712.1), dbSNP rs1693387167, ClinGen allele CA345430013.
Genomic context (GRCh38, chr1:237,760,992, plus strand): 5'-TTTTTTTTCCCTTGTTATTATAGTGTCCTTGACCTAAATGCATTTGAGCGACAAAACAAA[G>C]CTGAAGGTCTTGGGATGGTGACAGAGGAAGGATCAGGTATTAATGACTTACATTAAAAGG-3'
Protein context (NP_001026.2, residues 3804-3824): DLNAFERQNK[Ala3814Pro]EGLGMVTEEG